The following is an entry in ClinVar:

NM_001035.3(RYR2):c.11237C>T (p.Ala3746Val)

Gene: RYR2 (ryanodine receptor 2; plus strand). Cytogenetic location: 1q43.
Variant type: single nucleotide variant.
Coding change: c.11237C>T on transcript NM_001035.3 (MANE Select); coding-DNA position 11237, C replaced by T.
Protein change: p.Ala3746Val; replaces alanine 3746 with valine.
Molecular consequence: missense variant.
Genome position (GRCh38, 1-based): chr1:237,756,379, C>T. VCF-style: chr1-237756379-C-T. GRCh37 (hg19) VCF-style: chr1-237919679-C-T.
Other names: short protein forms A3746V.
Identifiers: ClinVar variation 3071453 (VCV003071453.1), dbSNP rs1573821711, ClinGen allele CA345425944.

ClinVar aggregate classification (germline): Uncertain significance (1 of 4 stars; one submission).

Conditions:
Catecholaminergic polymorphic ventricular tachycardia (CVPT). Also called: Catecholamine-induced polymorphic ventricular tachycardia. Identifiers: Orphanet 3286, MedGen C5574922, MONDO:0017990.

Submission:

All of Us Research Program, National Institutes of Health
Classification: Uncertain significance for Catecholaminergic polymorphic ventricular tachycardia. Last evaluated: 2023-06-08. Review status: criteria provided, single submitter. Criteria: ACMG Guidelines, 2015. Collection method: clinical testing. Allele origin: germline. Inheritance: Autosomal dominant inheritance. Observed: 1 variant allele, 1 heterozygote.
Comment: This missense variant replaces alanine with valine at codon 3746 of the RYR2 protein. Computational prediction suggests that this variant may have deleterious impact on protein structure and function (internally defined REVEL score threshold >= 0.7, PMID: 27666373). To our knowledge, functional studies have not been reported for this variant. This variant has not been reported in individuals affected with RYR2-related disorders in the literature. This variant has not been identified in the general population by the Genome Aggregation Database (gnomAD). The available evidence is insufficient to determine the role of this variant in disease conclusively. Therefore, this variant is classified as a Variant of Uncertain Significance.

This study involves interpretation of variants in research participants for the purpose of population health screening. Participant phenotype was not available at the time of variant classification. Additional details can be found in publication PMID: 35346344, PMCID: PMC8962531